The following is an entry in ClinVar:

NM_057176.3(BSND):c.460G>A (p.Val154Ile)

Gene: BSND (barttin CLCNK type accessory subunit beta; plus strand). Cytogenetic location: 1p32.3.
Variant type: single nucleotide variant.
Coding change: c.460G>A on transcript NM_057176.3 (MANE Select); coding-DNA position 460, G replaced by A.
Protein change: p.Val154Ile; replaces valine 154 with isoleucine.
Molecular consequence: missense variant.
Genome position (GRCh38, 1-based): chr1:55,007,184, G>A. VCF-style: chr1-55007184-G-A. GRCh37 (hg19) VCF-style: chr1-55472857-G-A.
Other names: short protein forms V154I.
Identifiers: ClinVar variation 2430464 (VCV002430464.1), dbSNP rs529780817, ClinGen allele CA871339.

ClinVar aggregate classification (germline): Uncertain significance (1 of 4 stars; one submission).

Allele frequency attached by ClinVar (database versions not stated): gnomAD exomes 0.00001; ExAC 0.00003; 1000 Genomes Project 30x 0.00047; 1000 Genomes Project 0.00060.
gnomAD v4.1: 26 of 1,614,206 alleles (0.0016%); highest among the groups gnomAD compares: Admixed American, 0.017%; no homozygotes.

Submission:

GeneDx
Classification: Uncertain significance. Last evaluated: 2022-08-23. Review status: criteria provided, single submitter. Criteria: GeneDx Variant Classification Process June 2021. Collection method: clinical testing. Allele origin: germline. Affected: yes.
Comment: In silico analysis supports that this missense variant does not alter protein structure/function; Has not been previously published as pathogenic or benign to our knowledge